The following is an entry in ClinVar:

NM_001270974.2(HYDIN):c.3019G>C (p.Glu1007Gln)

Gene: HYDIN (HYDIN axonemal central pair apparatus protein; minus strand). Cytogenetic location: 16q22.2.
Variant type: single nucleotide variant.
Coding change: c.3019G>C on transcript NM_001270974.2 (MANE Select); coding-DNA position 3019, G replaced by C.
Protein change: p.Glu1007Gln; replaces glutamic acid 1007 with glutamine.
Molecular consequence: missense variant.
Genome position (GRCh38, 1-based): chr16:71,027,625, C>G on the plus strand (G>C on the coding strand, the complement: HYDIN is on the minus strand). VCF-style: chr16-71027625-C-G. GRCh37 (hg19) VCF-style: chr16-71061528-C-G.
Other names: c.3019G>C, p.Glu1007Gln (NM_017558.5); short protein forms E1007Q.
Identifiers: ClinVar variation 3771804 (VCV003771804.13).
Genomic context (GRCh38, chr16:71,027,625, plus strand): 5'-GAAAAAACAATAGCTTCCAAATGTGCTATCCCCTTACCCTGGGAGTAGCAGAATAGCCTT[C>G]GAGTATCACATCAATTGCCTGGCCTGGGTACAGCTCCATGCTGGCGGGGTGGAGATGAAA-3'
Protein context (NP_001257903.1, residues 997-1017): YPGQAIDVIL[Glu1007Gln]GYSATPRIVK

ClinVar aggregate classification (germline): Uncertain significance (1 of 4 stars; one submission).

Submission:

CeGaT Center for Human Genetics Tuebingen
Classification: Uncertain significance. Last evaluated: 2025-02-01. Review status: criteria provided, single submitter. Criteria: CeGaT Center For Human Genetics Tuebingen Variant Classification Criteria Version 2. Collection method: clinical testing. Allele origin: germline. Affected: yes. Observed: 1 variant allele.
Comment: HYDIN: PM2, BP4